The following is an entry in ClinVar:

NM_024529.5(CDC73):c.1012C>T (p.Gln338Ter)

Gene: CDC73 (cell division cycle 73; plus strand). Cytogenetic location: 1q31.2.
Variant type: single nucleotide variant.
Coding change: c.1012C>T on transcript NM_024529.5 (MANE Select); coding-DNA position 1012, C replaced by T.
Protein change: p.Gln338Ter; replaces glutamine 338 with a stop codon.
Molecular consequence: nonsense.
Genome position (GRCh38, 1-based): chr1:193,203,834, C>T. VCF-style: chr1-193203834-C-T. GRCh37 (hg19) VCF-style: chr1-193172964-C-T.
Other names: c.1012C>T (NM_024529.4); short protein forms Q338*.
Identifiers: ClinVar variation 1353959 (VCV001353959.8), dbSNP rs2103178097, ClinGen allele CA344076156.

ClinVar aggregate classification (germline): Pathogenic. Review status: criteria provided, multiple submitters, no conflicts (2 of 4 stars). 2 submissions from 2 submitters: Pathogenic (2). Last evaluated 2025-05-25.

Conditions:
Hereditary cancer-predisposing syndrome. Also called: Neoplastic Syndromes, Hereditary; Tumor predisposition; Hereditary neoplastic syndrome; Hereditary Cancer Syndrome. Identifiers: Orphanet 140162, MedGen C0027672, MeSH D009386, MONDO:0015356.
Parathyroid carcinoma (PRTC). Also called: CDC73-Related Parathyroid Carcinoma; Parathyroid gland carcinoma. Identifiers: Orphanet 143, MedGen C0687150, MONDO:0012004, OMIM 608266, HP:0006780.

Submissions (2):

Labcorp Genetics (formerly Invitae), Labcorp
Classification: Pathogenic for Parathyroid carcinoma. Last evaluated: 2025-05-25. Review status: criteria provided, single submitter. Criteria: Invitae Variant Classification Sherloc (09022015). Collection method: clinical testing. Allele origin: germline.
Comment: This sequence change creates a premature translational stop signal (p.Gln338*) in the CDC73 gene. It is expected to result in an absent or disrupted protein product. Loss-of-function variants in CDC73 are known to be pathogenic (PMID: 12434154). This variant is not present in population databases (gnomAD no frequency). This variant has not been reported in the literature in individuals affected with CDC73-related conditions. ClinVar contains an entry for this variant (Variation ID: 1353959). For these reasons, this variant has been classified as Pathogenic.

Ambry Genetics
Classification: Pathogenic for Hereditary cancer-predisposing syndrome. Last evaluated: 2023-01-10. Review status: criteria provided, single submitter. Criteria: Ambry Variant Classification Scheme 2023. Collection method: clinical testing. Allele origin: germline.
Comment: The p.Q338* pathogenic mutation (also known as c.1012C>T), located in coding exon 11 of the CDC73 gene, results from a C to T substitution at nucleotide position 1012. This changes the amino acid from a glutamine to a stop codon within coding exon 11. This variant is considered to be rare based on population cohorts in the Genome Aggregation Database (gnomAD). This alteration is expected to result in loss of function by premature protein truncation or nonsense-mediated mRNA decay. As such, this alteration is interpreted as a disease-causing mutation.

Literature cited by the submitters: PubMed 12434154 (cited by Labcorp Genetics (formerly Invitae), Labcorp).